The following is an entry in ClinVar:

NM_022124.6(CDH23):c.3213G>A (p.Glu1071=)

Gene: CDH23 (cadherin related 23; plus strand). Cytogenetic location: 10q22.1.
Variant type: single nucleotide variant.
Coding change: c.3213G>A on transcript NM_022124.6 (MANE Select); coding-DNA position 3213, G replaced by A.
Protein change: p.Glu1071=; no amino-acid change (glutamic acid 1071 retained).
Molecular consequence: synonymous variant.
Genome position (GRCh38, 1-based): chr10:71,709,204, G>A. VCF-style: chr10-71709204-G-A. GRCh37 (hg19) VCF-style: chr10-73468961-G-A.
Other names: c.3213G>A, p.Glu1071= (NM_001171930.2).
Identifiers: ClinVar variation 300423 (VCV000300423.19), dbSNP rs140255091, ClinGen allele CA5544513.

ClinVar aggregate classification (germline): Conflicting classifications of pathogenicity. Review status: criteria provided, conflicting classifications (1 of 4 stars). 5 submissions from 4 submitters: Uncertain significance (2); Likely benign (3). Last evaluated 2025-12-22.

Conditions:
Usher syndrome type 1D (USH1D). Also called: USHER SYNDROME, TYPE ID. Identifiers: Orphanet 231169, Orphanet 886, MedGen C1832845, MONDO:0010984, OMIM 601067.
Autosomal recessive nonsyndromic hearing loss 12. Also called: DEAFNESS, AUTOSOMAL RECESSIVE 12. Identifiers: Orphanet 90636, MedGen C1832394, MONDO:0011067, OMIM 601386.

Allele frequency attached by ClinVar (database versions not stated): gnomAD exomes 0.00004 and 0.00008; ExAC 0.00016; TOPMed 0.00021; gnomAD 0.00026 and 0.00033; ESP Exome Variant Server 0.00031; 1000 Genomes Project 30x 0.00187; 1000 Genomes Project 0.00260.
gnomAD v4.1: 127 of 1,613,868 alleles (0.0079%); highest among the groups gnomAD compares: African/African-American, 0.13%; no homozygotes.

Submissions (5):

Labcorp Genetics (formerly Invitae), Labcorp
Classification: Likely benign. Last evaluated: 2025-12-22. Review status: criteria provided, single submitter. Criteria: Invitae Variant Classification Sherloc (09022015). Collection method: clinical testing. Allele origin: germline.

Blueprint Genetics
Classification: Likely benign. Last evaluated: 2024-11-13. Review status: criteria provided, single submitter. Criteria: ACMG Guidelines, 2015. Collection method: clinical testing. Allele origin: germline.

Illumina Laboratory Services, Illumina
Classification: Uncertain significance for Usher syndrome type 1D. Last evaluated: 2018-01-12. Review status: criteria provided, single submitter. Criteria: ICSL Variant Classification Criteria 13 December 2019. Collection method: clinical testing. Allele origin: germline.

Illumina Laboratory Services, Illumina
Classification: Uncertain significance for Autosomal recessive nonsyndromic hearing loss 12. Last evaluated: 2018-01-12. Review status: criteria provided, single submitter. Criteria: ICSL Variant Classification Criteria 13 December 2019. Collection method: clinical testing. Allele origin: germline.

Laboratory for Molecular Medicine, Mass General Brigham Personalized Medicine
Classification: Likely benign. Last evaluated: 2012-04-30. Review status: criteria provided, single submitter. Criteria: LMM Criteria. Collection method: clinical testing. Allele origin: germline. Observed: 1 variant allele.
Comment: Glu1071Glu in Exon 27 of CDH23: This variant is not expected to have clinical si gnificance because it does not alter an amino acid residue, is not located withi n the splice consensus sequence, and has been identified in 0.1% (3/3594) of Afr ican American chromosomes from a broad population by the NHLBI Exome Sequencing Project (dbSNP rs140255091).